The following is an entry in ClinVar:

ClinVar aggregate classification (germline): Uncertain significance. Review status: criteria provided, multiple submitters, no conflicts (2 of 4 stars). 3 submissions from 3 submitters: Uncertain significance (3). Last evaluated 2025-11-20.

Conditions:
Inborn genetic diseases. Identifiers: MedGen C0950123, MeSH D030342.
Intellectual developmental disorder, autosomal recessive 13. Also called: Intellectual disability, autosomal recessive 13. Identifiers: Orphanet 88616, MedGen C2750791, MONDO:0013173, OMIM 613192.

Allele frequency attached by ClinVar (database versions not stated): ExAC 0.00002.
gnomAD v4.1: 16 of 1,614,064 alleles (0.00099%); highest among the groups gnomAD compares: South Asian, 0.016%; no homozygotes.

Submissions (3):

Ambry Genetics
Classification: Uncertain significance for Inborn genetic diseases. Last evaluated: 2025-11-20. Review status: criteria provided, single submitter. Criteria: Ambry Variant Classification Scheme 2023. Collection method: clinical testing. Allele origin: germline.

Fulgent Genetics
Classification: Uncertain significance for Intellectual developmental disorder, autosomal recessive 13. Last evaluated: 2024-02-09. Review status: criteria provided, single submitter. Criteria: ACMG Guidelines, 2015. Collection method: clinical testing. Allele origin: germline.

Labcorp Genetics (formerly Invitae), Labcorp
Classification: Uncertain significance. Last evaluated: 2023-08-04. Review status: criteria provided, single submitter. Criteria: Invitae Variant Classification Sherloc (09022015). Collection method: clinical testing. Allele origin: germline.
Comment: This sequence change replaces valine, which is neutral and non-polar, with phenylalanine, which is neutral and non-polar, at codon 853 of the TRAPPC9 protein (p.Val853Phe). This variant is present in population databases (rs773051579, gnomAD 0.02%). This variant has not been reported in the literature in individuals affected with TRAPPC9-related conditions. ClinVar contains an entry for this variant (Variation ID: 1947069). An algorithm developed to predict the effect of missense changes on protein structure and function (PolyPhen-2) suggests that this variant is likely to be tolerated. In summary, the available evidence is currently insufficient to determine the role of this variant in disease. Therefore, it has been classified as a Variant of Uncertain Significance.

NM_001160372.4(TRAPPC9):c.2263G>T (p.Val755Phe)

Gene: TRAPPC9 (trafficking protein particle complex subunit 9; minus strand). Cytogenetic location: 8q24.3.
Variant type: single nucleotide variant.
Coding change: c.2263G>T on transcript NM_001160372.4 (MANE Select); coding-DNA position 2263, G replaced by T.
Protein change: p.Val755Phe; replaces valine 755 with phenylalanine.
Molecular consequence: missense variant. On other transcripts: non-coding transcript variant (1).
Genome position (GRCh38, 1-based): chr8:140,275,673, C>A on the plus strand (G>T on the coding strand, the complement: TRAPPC9 is on the minus strand). VCF-style: chr8-140275673-C-A. GRCh37 (hg19) VCF-style: chr8-141285772-C-A.
Other names: c.2557G>T (NM_031466.5, NM_031466.7); c.2236G>T, p.Val746Phe (NM_001321646.2); c.2284G>T, p.Val762Phe (NM_001374682.1); c.2263G>T, p.Val755Phe (NM_001374683.1, NM_031466.8); c.2119G>T, p.Val707Phe (NM_001374684.1); short protein forms V707F, V755F, V746F, V762F.
Identifiers: ClinVar variation 1947069 (VCV001947069.7), dbSNP rs773051579, ClinGen allele CA4893156.